The following is an entry in ClinVar:

NM_000092.5(COL4A4):c.694-72G>T

Gene: COL4A4 (collagen type IV alpha 4 chain; minus strand). Cytogenetic location: 2q36.3.
Variant type: single nucleotide variant.
Coding change: c.694-72G>T on transcript NM_000092.5 (MANE Select); 72 bases into the intron before coding-DNA position 694, G replaced by T.
Molecular consequence: intron variant.
Genome position (GRCh38, 1-based): chr2:227,108,694, C>A on the plus strand (G>T on the coding strand, the complement: COL4A4 is on the minus strand). VCF-style: chr2-227108694-C-A. GRCh37 (hg19) VCF-style: chr2-227973410-C-A.
Identifiers: ClinVar variation 1182623 (VCV001182623.7), dbSNP rs55741079, ClinGen allele CA11329494.
Genomic context (GRCh38, chr2:227,108,694, plus strand): 5'-ATGAAAAAGAATCTAATTGCTTTTGAATTTTAAAAAAGTAATTAAAAGCAATTAAGACTT[C>A]TGGCTACACAATATATTGCAGTTCATGGAATACTTTGGGAAGTCTGATAAGAGGAAAGCC-3'

ClinVar aggregate classification (germline): Benign. Review status: criteria provided, multiple submitters, no conflicts (2 of 4 stars). 4 submissions from 4 submitters: Benign (4). Last evaluated 2024-07-15.

Conditions:
Autosomal recessive Alport syndrome (ATS2). Also called: COL4A3-Related Nephropathy; COL4A4 Alport Syndrome and Thin Basement Membrane Nephropathy; ALPORT SYNDROME 2, AUTOSOMAL RECESSIVE; Alport syndrome type 2. Identifiers: Orphanet 63, Orphanet 88919, MedGen C4746745, MONDO:0008762, OMIM 203780.

Allele frequency attached by ClinVar (database versions not stated): 1000 Genomes Project 30x 0.33901; 1000 Genomes Project 0.33906; TOPMed 0.41762; gnomAD 0.44234 and 0.44490; gnomAD exomes 0.53367.
gnomAD v4.1: 816,952 of 1,560,598 alleles (52%); highest among the groups gnomAD compares: Non-Finnish European, 57%; 223,608 homozygotes.

Submissions (4):

Unidad de Genómica Garrahan, Hospital de Pediatría Garrahan
Classification: Benign. Last evaluated: 2024-07-15. Review status: criteria provided, single submitter. Criteria: ACMG Guidelines, 2015. Collection method: clinical testing. Allele origin: germline. Affected: no. Observed: 64 variant alleles.
Comment: This variant is classified as Benign based on local population frequency. This variant was detected in 69% of patients studied in a panel designed for Epileptic and Developmental Encephalopathy and Progressive Myoclonus Epilepsy. Number of patients: 64. Only high quality variants are reported.

Genome-Nilou Lab
Classification: Benign for Autosomal recessive Alport syndrome. Last evaluated: 2021-07-10. Review status: criteria provided, single submitter. Criteria: ACMG Guidelines, 2015. Collection method: clinical testing. Allele origin: germline. Affected: no.

GeneDx
Classification: Benign. Last evaluated: 2018-06-24. Review status: criteria provided, single submitter. Criteria: GeneDx Variant Classification Process June 2021. Collection method: clinical testing. Allele origin: germline. Affected: yes.

Breakthrough Genomics
Classification: Benign. Review status: criteria provided, single submitter. Criteria: ACMG Guidelines, 2015. Collection method: not provided. Allele origin: germline. Inheritance: Autosomal recessive inheritance. Affected: yes.